The following is an entry in ClinVar:

ClinVar aggregate classification (germline): Uncertain significance (1 of 4 stars; one submission).

Submission:

GeneDx
Classification: Uncertain significance. Last evaluated: 2026-03-27. Review status: criteria provided, single submitter. Criteria: GeneDx Variant Classification Process June 2021. Collection method: clinical testing. Allele origin: germline.
Comment: Not observed at significant frequency in large population cohorts (gnomAD); Has not been previously published as pathogenic or benign to our knowledge; In silico analysis suggests this variant may impact gene splicing. In the absence of RNA/functional studies, the actual effect of this sequence change is unknown.

NM_172107.4(KCNQ2):c.1887+5G>T

Gene: KCNQ2 (potassium voltage-gated channel subfamily Q member 2; minus strand). Cytogenetic location: 20q13.33.
Variant type: single nucleotide variant.
Coding change: c.1887+5G>T on transcript NM_172107.4 (MANE Select); 5 bases into the intron after coding-DNA position 1887, G replaced by T.
Molecular consequence: intron variant.
Genome position (GRCh38, 1-based): chr20:63,408,408, C>A on the plus strand (G>T on the coding strand, the complement: KCNQ2 is on the minus strand). VCF-style: chr20-63408408-C-A. GRCh37 (hg19) VCF-style: chr20-62039761-C-A.
Other names: c.1800+5G>T (NM_001439004.1); c.1803+5G>T (NM_004518.6); c.1794+5G>T (NM_172108.5); c.1830+5G>T (NM_001439003.1); c.1833+5G>T (NM_172106.3); c.1941+5G>T (NM_001382235.1).
Identifiers: ClinVar variation 5017267 (VCV005017267.1).